The following is an entry in ClinVar:

NM_133459.4(CCBE1):c.1126A>G (p.Ser376Gly)

Gene: CCBE1 (collagen and calcium binding EGF domains 1; minus strand). Cytogenetic location: 18q21.32.
Variant type: single nucleotide variant.
Coding change: c.1126A>G on transcript NM_133459.4 (MANE Select); coding-DNA position 1126, A replaced by G.
Protein change: p.Ser376Gly; replaces serine 376 with glycine.
Molecular consequence: missense variant.
Genome position (GRCh38, 1-based): chr18:59,436,003, T>C on the plus strand (A>G on the coding strand, the complement: CCBE1 is on the minus strand). VCF-style: chr18-59436003-T-C. GRCh37 (hg19) VCF-style: chr18-57103235-T-C.
Other names: short protein forms S376G.
Identifiers: ClinVar variation 1448724 (VCV001448724.3), dbSNP rs983124374, ClinGen allele CA301038534.

ClinVar aggregate classification (germline): Uncertain significance (1 of 4 stars; one submission).

Allele frequency attached by ClinVar (database versions not stated): gnomAD exomes below 0.00001; TOPMed below 0.00001.
gnomAD v4.1: 4 of 1,614,192 alleles (0.00025%); highest among the groups gnomAD compares: East Asian, 0.0022%; no homozygotes.

Submission:

Labcorp Genetics (formerly Invitae), Labcorp
Classification: Uncertain significance. Last evaluated: 2021-10-21. Review status: criteria provided, single submitter. Criteria: Invitae Variant Classification Sherloc (09022015). Collection method: clinical testing. Allele origin: germline.
Comment: This sequence change replaces serine with glycine at codon 376 of the CCBE1 protein (p.Ser376Gly). The serine residue is moderately conserved and there is a small physicochemical difference between serine and glycine. This variant is not present in population databases (ExAC no frequency). This variant has not been reported in the literature in individuals affected with CCBE1-related conditions. Algorithms developed to predict the effect of missense changes on protein structure and function (SIFT, PolyPhen-2, Align-GVGD) all suggest that this variant is likely to be tolerated. In summary, the available evidence is currently insufficient to determine the role of this variant in disease. Therefore, it has been classified as a Variant of Uncertain Significance.